The following is an entry in ClinVar:

ClinVar aggregate classification (germline): Uncertain significance (1 of 4 stars; one submission).

Conditions:
Intellectual developmental disorder, autosomal recessive 3. Also called: Intellectual disability, autosomal recessive 3. Identifiers: Orphanet 88616, MedGen C1838023, MONDO:0012037, OMIM 608443.

Submission:

Baylor Genetics
Classification: Uncertain significance for Intellectual developmental disorder, autosomal recessive 3. Last evaluated: 2018-01-10. Review status: criteria provided, single submitter. Criteria: ACMG Guidelines, 2015. Collection method: clinical testing. Allele origin: maternal. Affected: yes.
Comment: This variant was determined to be of uncertain significance according to ACMG Guidelines, 2015 [PMID:25741868].

NM_017721.5(CC2D1A):c.1437C>T (p.Ala479=)

Gene: CC2D1A (coiled-coil and C2 domain containing 1A; plus strand). Cytogenetic location: 19p13.12.
Variant type: single nucleotide variant.
Coding change: c.1437C>T on transcript NM_017721.5 (MANE Select); coding-DNA position 1437, C replaced by T.
Protein change: p.Ala479=; no amino-acid change (alanine 479 retained).
Molecular consequence: synonymous variant.
Genome position (GRCh38, 1-based): chr19:13,920,637, C>T. VCF-style: chr19-13920637-C-T. GRCh37 (hg19) VCF-style: chr19-14031450-C-T.
Identifiers: ClinVar variation 1033856 (VCV001033856.1), dbSNP rs1971378002, ClinGen allele CA505788646.
Genomic context (GRCh38, chr19:13,920,637, plus strand): 5'-CACAGCCCAGCCCAAAGCCCCACCCTCAAGAACTCCCCAGTCGGGATCAGCCCCAACAGC[C>T]AAAGCGCCCCCCAAAGCCACATCCACCAGAGGTAAGTTCCCCCTCCCCGCCCCAGCTGCC-3'
Protein context (NP_060191.3, residues 469-489): RTPQSGSAPT[Ala479=]KAPPKATSTR